The following is an entry in ClinVar:

NM_004655.4(AXIN2):c.693A>C (p.Glu231Asp)

Gene: AXIN2 (axin 2; minus strand). Cytogenetic location: 17q24.1.
Variant type: single nucleotide variant.
Coding change: c.693A>C on transcript NM_004655.4 (MANE Select); coding-DNA position 693, A replaced by C.
Protein change: p.Glu231Asp; replaces glutamic acid 231 with aspartic acid.
Molecular consequence: missense variant.
Genome position (GRCh38, 1-based): chr17:65,557,928, T>G on the plus strand (A>C on the coding strand, the complement: AXIN2 is on the minus strand). VCF-style: chr17-65557928-T-G. GRCh37 (hg19) VCF-style: chr17-63554046-T-G.
Other names: c.693A>C, p.Glu231Asp (NM_001363813.1); short protein forms E231D.
Identifiers: ClinVar variation 2057237 (VCV002057237.4), dbSNP rs2144583032, ClinGen allele CA400680476.

ClinVar aggregate classification (germline): Uncertain significance (1 of 4 stars; one submission).

Conditions:
Oligodontia-cancer predisposition syndrome. Also called: TOOTH AGENESIS-COLORECTAL CANCER SYNDROME. Identifiers: Orphanet 300576, MedGen C1837750, MONDO:0012075, OMIM 608615. Disease mechanism: loss of function.

Submission:

Labcorp Genetics (formerly Invitae), Labcorp
Classification: Uncertain significance for Oligodontia-cancer predisposition syndrome. Last evaluated: 2021-12-24. Review status: criteria provided, single submitter. Criteria: Invitae Variant Classification Sherloc (09022015). Collection method: clinical testing. Allele origin: germline.
Comment: Algorithms developed to predict the effect of missense changes on protein structure and function are either unavailable or do not agree on the potential impact of this missense change (SIFT: "Tolerated"; PolyPhen-2: "Probably Damaging"; Align-GVGD: "Class C0"). This sequence change replaces glutamic acid, which is acidic and polar, with aspartic acid, which is acidic and polar, at codon 231 of the AXIN2 protein (p.Glu231Asp). This variant is not present in population databases (gnomAD no frequency). This variant has not been reported in the literature in individuals affected with AXIN2-related conditions. In summary, the available evidence is currently insufficient to determine the role of this variant in disease. Therefore, it has been classified as a Variant of Uncertain Significance.